The following is an entry in ClinVar:

ClinVar aggregate classification (germline): Likely benign. Review status: criteria provided, multiple submitters, no conflicts (2 of 4 stars). 3 submissions from 3 submitters: Likely benign (3). Last evaluated 2026-01-09.

Conditions:
RET-related disorder. Also called: RET-related condition; RET-related disease; RET-related disorders.
Hereditary cancer-predisposing syndrome. Also called: Tumor predisposition; Hereditary neoplastic syndrome; Hereditary Cancer Syndrome; Neoplastic Syndromes, Hereditary. Identifiers: Orphanet 140162, MedGen C0027672, MeSH D009386, MONDO:0015356.
Multiple endocrine neoplasia, type 2 (MEN2). Identifiers: Orphanet 653, MedGen C4048306, MONDO:0019003. Disease mechanism: gain of function.

Submissions (3):

PreventionGenetics, part of Exact Sciences
Classification: Likely benign for RET-related condition. Last evaluated: 2026-01-09. Review status: criteria provided, single submitter. Criteria: ACMG Guidelines, 2015. Collection method: clinical testing. Allele origin: germline.
Comment: This variant is classified as likely benign based on ACMG/AMP sequence variant interpretation guidelines (Richards et al. 2015 PMID: 25741868, with internal and published modifications).

Labcorp Genetics (formerly Invitae), Labcorp
Classification: Likely benign for Multiple endocrine neoplasia, type 2. Last evaluated: 2024-11-26. Review status: criteria provided, single submitter. Criteria: Invitae Variant Classification Sherloc (09022015). Collection method: clinical testing. Allele origin: germline.

Ambry Genetics
Classification: Likely benign for Hereditary cancer-predisposing syndrome. Last evaluated: 2020-03-30. Review status: criteria provided, single submitter. Criteria: Ambry Variant Classification Scheme 2023. Collection method: clinical testing. Allele origin: germline.

NM_020975.6(RET):c.804G>T (p.Ser268=)

Gene: RET (ret proto-oncogene; plus strand). Cytogenetic location: 10q11.21.
Variant type: single nucleotide variant.
Coding change: c.804G>T on transcript NM_020975.6 (MANE Select); coding-DNA position 804, G replaced by T.
Protein change: p.Ser268=; no amino-acid change (serine 268 retained).
Molecular consequence: synonymous variant. On other transcripts: intron variant (22).
Genome position (GRCh38, 1-based): chr10:43,105,130, G>T. VCF-style: chr10-43105130-G-T. GRCh37 (hg19) VCF-style: chr10-43600578-G-T.
Other names: c.804G>T, p.Ser268= (NM_000323.2, NM_001406743.1, NM_001406744.1 and 8 more transcripts); c.42G>T, p.Ser14= (NM_001355216.2); c.675G>T, p.Ser225= (NM_001406761.1, NM_001406762.1, NM_001406764.1 and 2 more transcripts); c.516G>T, p.Ser172= (NM_001406766.1, NM_001406767.1, NM_001406770.1); c.625+2501G>T (NM_001406773.1, NM_001406771.1, NM_001406782.1 and 5 more transcripts); c.496+2501G>T (NM_001406786.1, NM_001406783.1); c.338-3901G>T (NM_001406778.1, NM_001406775.1, NM_001406776.1 and 1 more transcripts); c.337+4408G>T (NM_001406790.1, NM_001406788.1, NM_001406789.1 and 1 more transcripts); and 2 more.
Identifiers: ClinVar variation 1761805 (VCV001761805.5), dbSNP rs942287684, ClinGen allele CA469022570.